The following is an entry in ClinVar:

ClinVar aggregate classification (germline): Uncertain significance (1 of 4 stars; one submission).

Conditions:
Genitopatellar syndrome (GTPTS). Also called: ABSENT PATELLAE, SCROTAL HYPOPLASIA, RENAL ANOMALIES, FACIAL DYSMORPHISM, AND MENTAL RETARDATION; Genitopatellar syndrome (GPS). Identifiers: Orphanet 85201, MedGen C1853566, MONDO:0011640, OMIM 606170.

gnomAD v4.1: 1 of 1,614,038 alleles (0.000062%); highest among the groups gnomAD compares: African/African-American, 0.0013%; no homozygotes.

Submission:

Labcorp Genetics (formerly Invitae), Labcorp
Classification: Uncertain significance for Genitopatellar syndrome. Last evaluated: 2025-11-23. Review status: criteria provided, single submitter. Criteria: Invitae Variant Classification Sherloc (09022015). Collection method: clinical testing. Allele origin: germline.
Comment: This sequence change replaces alanine, which is neutral and non-polar, with serine, which is neutral and polar, at codon 513 of the KAT6B protein (p.Ala513Ser). This variant is not present in population databases (gnomAD no frequency). This variant has not been reported in the literature in individuals affected with KAT6B-related conditions. An algorithm developed to predict the effect of missense changes on protein structure and function outputs the following: PolyPhen-2: "Benign". The serine amino acid residue is found in multiple mammalian species, which suggests that this missense change does not adversely affect protein function. In summary, the available evidence is currently insufficient to determine the role of this variant in disease. Therefore, it has been classified as a Variant of Uncertain Significance.

NM_012330.4(KAT6B):c.1537G>T (p.Ala513Ser)

Gene: KAT6B (lysine acetyltransferase 6B; plus strand). Cytogenetic location: 10q22.2.
Variant type: single nucleotide variant.
Coding change: c.1537G>T on transcript NM_012330.4 (MANE Select); coding-DNA position 1537, G replaced by T.
Protein change: p.Ala513Ser; replaces alanine 513 with serine.
Molecular consequence: missense variant. On other transcripts: intron variant (13).
Genome position (GRCh38, 1-based): chr10:74,975,874, G>T. VCF-style: chr10-74975874-G-T. GRCh37 (hg19) VCF-style: chr10-76735632-G-T.
Other names: c.1537G>T, p.Ala513Ser (NM_001370136.1, NM_001370137.1); c.1117+420G>T (NM_001370139.1, NM_001370140.1, NM_001370141.1 and 3 more transcripts); c.1444+93G>T (NM_001370138.1, NM_001256468.2); c.846+6099G>T (NM_001370133.1); c.193-3350G>T (NM_001370134.1); c.929-1442G>T (NM_001370143.1, NM_001370144.1); c.193-13145G>T (NM_001370135.1); short protein forms A513S.
Identifiers: ClinVar variation 4805685 (VCV004805685.1).